The following is an entry in ClinVar:

ClinVar aggregate classification (germline): Benign (1 of 4 stars; one submission).

Conditions:
Deafness-lymphedema-leukemia syndrome. Also called: Lymphedema, primary, with myelodysplasia; Emberger syndrome. Identifiers: Orphanet 3226, MedGen C3279664, MONDO:0013540, OMIM 614038.

Allele frequency attached by ClinVar (database versions not stated): gnomAD 0.00065 and 0.00040; gnomAD exomes 0.00337; TOPMed 0.00052; 1000 Genomes Project 30x 0.00297; 1000 Genomes Project 0.00359.
gnomAD v4.1: 349 of 233,512 alleles (0.15%); highest among the groups gnomAD compares: East Asian, 2.1%; 5 homozygotes.

Submission:

Illumina Laboratory Services, Illumina
Classification: Benign for Deafness-lymphedema-leukemia syndrome. Last evaluated: 2018-01-12. Review status: criteria provided, single submitter. Criteria: ICSL Variant Classification Criteria 13 December 2019. Collection method: clinical testing. Allele origin: germline.
Comment: This variant was observed in the ICSL laboratory as part of a predisposition screen in an ostensibly healthy population. It had not been previously curated by ICSL or reported in the Human Gene Mutation Database (HGMD: prior to June 1st, 2018), and was therefore a candidate for classification through an automated scoring system. Utilizing variant allele frequency, disease prevalence and penetrance estimates, and inheritance mode, an automated score was calculated to assess if this variant is too frequent to cause the disease. Based on the score and internal cut-off values, a variant classified as benign is not then subjected to further curation. The score for this variant resulted in a classification of benign for this disease.

NM_032638.5(GATA2):c.*1229A>G

Gene: GATA2 (GATA binding protein 2; minus strand). Cytogenetic location: 3q21.3.
Variant type: single nucleotide variant.
Coding change: c.*1229A>G on transcript NM_032638.5 (MANE Select); 1229 bases downstream of the stop codon, A replaced by G.
Molecular consequence: 3 prime UTR variant.
Genome position (GRCh38, 1-based): chr3:128,479,790, T>C on the plus strand (A>G on the coding strand, the complement: GATA2 is on the minus strand). VCF-style: chr3-128479790-T-C. GRCh37 (hg19) VCF-style: chr3-128198633-T-C.
Other names: c.*1229A>G (NM_001145661.2, NM_001145662.1).
Identifiers: ClinVar variation 343111 (VCV000343111.5), dbSNP rs142582404, ClinGen allele CA10617207.